The following is an entry in ClinVar:

ClinVar aggregate classification (germline): Uncertain significance (1 of 4 stars; one submission).

Conditions:
GLUT1 deficiency syndrome 1, autosomal recessive. Identifiers: MedGen C3149117.

Submission:

Labcorp Genetics (formerly Invitae), Labcorp
Classification: Uncertain significance for GLUT1 deficiency syndrome 1, autosomal recessive. Last evaluated: 2023-06-04. Review status: criteria provided, single submitter. Criteria: Invitae Variant Classification Sherloc (09022015). Collection method: clinical testing. Allele origin: germline.
Comment: This variant has not been reported in the literature in individuals affected with SLC2A1-related conditions. Experimental studies and prediction algorithms are not available or were not evaluated, and the functional significance of this variant is currently unknown. In summary, the available evidence is currently insufficient to determine the role of this variant in disease. Therefore, it has been classified as a Variant of Uncertain Significance. This variant, c.611_613del, results in the deletion of 1 amino acid(s) of the SLC2A1 protein (p.Leu204del), but otherwise preserves the integrity of the reading frame. This variant is not present in population databases (gnomAD no frequency).

NM_006516.4(SLC2A1):c.608TGC[1] (p.Leu204del)

Gene: SLC2A1 (solute carrier family 2 member 1; minus strand). Cytogenetic location: 1p34.2.
Variant type: Microsatellite.
Coding change: c.608TGC[1] on transcript NM_006516.4 (MANE Select); one copy of the 3-base unit TGC starting at c.608; the reference has two copies in a row; one copy, 3 bases deleted.
Protein change: p.Leu204del; deletes leucine 204.
Molecular consequence: inframe deletion.
Genome position (GRCh38, 1-based): chr1:42,929,939-42,929,941, GCA deleted on the plus strand (TGC on the coding strand, the reverse complement: SLC2A1 is on the minus strand); deleting any 3 consecutive bases within chr1:42,929,939-42,929,944 gives the same sequence; the position shown is the placement nearest the transcript's 3' end. VCF-style (leftmost placement, unchanged base first): chr1-42929938-GGCA-G. GRCh37 (hg19) VCF-style: chr1-43395609-GGCA-G.
Other names: short protein forms L204del.
Identifiers: ClinVar variation 2765734 (VCV002765734.3), dbSNP rs2524993950, ClinGen allele CA2697552360.